The following is an entry in ClinVar:

ClinVar aggregate classification (germline): Conflicting classifications of pathogenicity. Review status: criteria provided, conflicting classifications (1 of 4 stars). 6 submissions from 6 submitters: Uncertain significance (5); Likely benign (1). Last evaluated 2025-07-08.

Conditions:
Hirschsprung disease, susceptibility to, 1 (HSCR1). Also called: RET-Related Hirschsprung Disease. Identifiers: Orphanet 388, MedGen C3888239, MONDO:0007723, OMIM 142623.
Multiple endocrine neoplasia type 2B. Also called: MEN 2B; MUCOSAL NEUROMA SYNDROME; Multiple endocrine neoplasia, type 3; MULTIPLE ENDOCRINE NEOPLASIA, TYPE IIB; Multiple Endocrine Neoplasia Type 2B (MEN2B); MEN IIB. Identifiers: Orphanet 247709, Orphanet 653, MedGen C0025269, MeSH D018814, MONDO:0008082, OMIM 162300.
Pheochromocytoma. Also called: MAX-Related Hereditary Paraganglioma-Pheochromocytoma Syndrome. Identifiers: Orphanet 29072, MedGen C0031511, MONDO:0008233, OMIM 171300, HP:0002666.
Familial medullary thyroid carcinoma (MTC). Also called: Thyroid cancer, familial medullary; MTC, familial; Familial Medullary Thyroid Carcinoma (FMTC). Identifiers: Orphanet 653, Orphanet 99361, MedGen C1833921, MONDO:0007958, OMIM 155240.
Multiple endocrine neoplasia type 2A. Also called: MULTIPLE ENDOCRINE NEOPLASIA, TYPE IIA; PTC SYNDROME; SIPPLE SYNDROME; MEN 2A; MEN-2A syndrome; Pheochromocytoma and amyloid producing medullary thyroid carcinoma. Identifiers: Orphanet 247698, Orphanet 653, MedGen C0025268, MeSH D018813, MONDO:0008234, OMIM 171400.
Hereditary cancer-predisposing syndrome. Also called: Neoplastic Syndromes, Hereditary; Hereditary Cancer Syndrome; Tumor predisposition; Hereditary neoplastic syndrome. Identifiers: Orphanet 140162, MedGen C0027672, MeSH D009386, MONDO:0015356.
Multiple endocrine neoplasia, type 2 (MEN2). Identifiers: Orphanet 653, MedGen C4048306, MONDO:0019003. Disease mechanism: gain of function.

Allele frequency attached by ClinVar (database versions not stated): gnomAD exomes below 0.00001 and 0.00001; ExAC 0.00001; gnomAD 0.00001; TOPMed 0.00003.
gnomAD v4.1: 4 of 1,613,954 alleles (0.00025%); highest among the groups gnomAD compares: Admixed American, 0.005%; no homozygotes.

Submissions (6):

Labcorp Genetics (formerly Invitae), Labcorp
Classification: Uncertain significance for Multiple endocrine neoplasia, type 2. Last evaluated: 2025-07-08. Review status: criteria provided, single submitter. Criteria: Invitae Variant Classification Sherloc (09022015). Collection method: clinical testing. Allele origin: germline.
Comment: This sequence change replaces arginine, which is basic and polar, with glutamine, which is neutral and polar, at codon 474 of the RET protein (p.Arg474Gln). This variant is present in population databases (rs747139265, gnomAD 0.006%). This variant has not been reported in the literature in individuals affected with RET-related conditions. ClinVar contains an entry for this variant (Variation ID: 646237). An algorithm developed to predict the effect of missense changes on protein structure and function outputs the following: PolyPhen-2: "Benign". The glutamine amino acid residue is found in multiple mammalian species, which suggests that this missense change does not adversely affect protein function. In summary, the available evidence is currently insufficient to determine the role of this variant in disease. Therefore, it has been classified as a Variant of Uncertain Significance.

Quest Diagnostics Nichols Institute San Juan Capistrano
Classification: Uncertain significance. Last evaluated: 2025-05-29. Review status: criteria provided, single submitter. Criteria: Quest Diagnostics criteria. Collection method: clinical testing. Allele origin: unknown.

All of Us Research Program, National Institutes of Health
Classification: Uncertain significance for Multiple endocrine neoplasia, type 2. Last evaluated: 2024-02-05. Review status: criteria provided, single submitter. Criteria: ACMG Guidelines, 2015. Collection method: clinical testing. Allele origin: germline. Inheritance: Autosomal dominant inheritance. Observed: 2 variant alleles, 2 heterozygotes.
Comment: This missense variant replaces arginine with glutamine at codon 474 of the RET protein. Computational prediction suggests that this variant may not impact protein structure and function (internally defined REVEL score threshold <= 0.5, PMID: 27666373). To our knowledge, functional studies have not been reported for this variant. This variant has not been reported in individuals affected with RET-related disorders in the literature. This variant has been identified in 2/251360 chromosomes in the general population by the Genome Aggregation Database (gnomAD). The available evidence is insufficient to determine the role of this variant in disease conclusively. Therefore, this variant is classified as a Variant of Uncertain Significance.

This study involves interpretation of variants in research participants for the purpose of population health screening. Participant phenotype was not available at the time of variant classification. Additional details can be found in publication PMID: 35346344, PMCID: PMC8962531

Color Diagnostics, LLC DBA Color Health
Classification: Uncertain significance for Multiple endocrine neoplasia, type 2. Last evaluated: 2024-01-29. Review status: criteria provided, single submitter. Criteria: ACMG Guidelines, 2015. Collection method: clinical testing. Allele origin: germline.
Comment: This missense variant replaces arginine with glutamine at codon 474 of the RET protein. Computational prediction suggests that this variant may not impact protein structure and function. To our knowledge, functional studies have not been reported for this variant. This variant has not been reported in individuals affected with RET-related disorders in the literature. This variant has been identified in 2/251360 chromosomes in the general population by the Genome Aggregation Database (gnomAD). The available evidence is insufficient to determine the role of this variant in disease conclusively. Therefore, this variant is classified as a Variant of Uncertain Significance.

Fulgent Genetics
Classification: Uncertain significance for Hirschsprung disease, susceptibility to, 1; Familial medullary thyroid carcinoma; Multiple endocrine neoplasia type 2B; Pheochromocytoma; Multiple endocrine neoplasia type 2A. Last evaluated: 2023-12-28. Review status: criteria provided, single submitter. Criteria: ACMG Guidelines, 2015. Collection method: clinical testing. Allele origin: germline.

Ambry Genetics
Classification: Likely benign for Hereditary cancer-predisposing syndrome. Last evaluated: 2018-09-11. Review status: criteria provided, single submitter. Criteria: Ambry Variant Classification Scheme 2023. Collection method: clinical testing. Allele origin: germline.

NM_020975.6(RET):c.1421G>A (p.Arg474Gln)

Gene: RET (ret proto-oncogene; plus strand). Cytogenetic location: 10q11.21.
Variant type: single nucleotide variant.
Coding change: c.1421G>A on transcript NM_020975.6 (MANE Select); coding-DNA position 1421, G replaced by A.
Protein change: p.Arg474Gln; replaces arginine 474 with glutamine.
Molecular consequence: missense variant.
Genome position (GRCh38, 1-based): chr10:43,111,364, G>A. VCF-style: chr10-43111364-G-A. GRCh37 (hg19) VCF-style: chr10-43606812-G-A.
Other names: c.1421G>A, p.Arg474Gln (NM_000323.2, NM_001406743.1, NM_001406744.1 and 6 more transcripts); c.659G>A, p.Arg220Gln (NM_001355216.2); c.1292G>A, p.Arg431Gln (NM_001406761.1, NM_001406762.1, NM_001406764.1 and 1 more transcripts); c.1133G>A, p.Arg378Gln (NM_001406766.1, NM_001406767.1, NM_001406770.1); c.1025G>A, p.Arg342Gln (NM_001406769.1, NM_001406772.1); c.983G>A, p.Arg328Gln (NM_001406771.1, NM_001406773.1); c.896G>A, p.Arg299Gln (NM_001406774.1); c.695G>A, p.Arg232Gln (NM_001406775.1, NM_001406776.1, NM_001406777.1 and 1 more transcripts); and 1 more; short protein forms R220Q, R474Q, R342Q, R431Q, R144Q, R328Q, R232Q, R299Q.
Identifiers: ClinVar variation 646237 (VCV000646237.20), dbSNP rs747139265, ClinGen allele CA033507.